The following is an entry in ClinVar:

NM_031935.3(HMCN1):c.5851+5A>C

Gene: HMCN1 (hemicentin 1; plus strand). Cytogenetic location: 1q31.1.
Variant type: single nucleotide variant.
Coding change: c.5851+5A>C on transcript NM_031935.3 (MANE Select); 5 bases into the intron after coding-DNA position 5851, A replaced by C.
Molecular consequence: intron variant.
Genome position (GRCh38, 1-based): chr1:186,038,040, A>C. VCF-style: chr1-186038040-A-C. GRCh37 (hg19) VCF-style: chr1-186007172-A-C.
Identifiers: ClinVar variation 2733145 (VCV002733145.3), dbSNP rs2527630693, ClinGen allele CA2697554786.

ClinVar aggregate classification (germline): Uncertain significance (1 of 4 stars; one submission).

Submission:

Labcorp Genetics (formerly Invitae), Labcorp
Classification: Uncertain significance. Last evaluated: 2023-12-26. Review status: criteria provided, single submitter. Criteria: Invitae Variant Classification Sherloc (09022015). Collection method: clinical testing. Allele origin: germline.
Comment: This sequence change falls in intron 37 of the HMCN1 gene. It does not directly change the encoded amino acid sequence of the HMCN1 protein. It affects a nucleotide within the consensus splice site. This variant is not present in population databases (gnomAD no frequency). This variant has not been reported in the literature in individuals affected with HMCN1-related conditions. Variants that disrupt the consensus splice site are a relatively common cause of aberrant splicing (PMID: 17576681, 9536098). Algorithms developed to predict the effect of sequence changes on RNA splicing suggest that this variant may disrupt the consensus splice site. In summary, the available evidence is currently insufficient to determine the role of this variant in disease. Therefore, it has been classified as a Variant of Uncertain Significance.

Literature cited by the submitters: PubMed 17576681; PubMed 9536098.